The following is an entry in ClinVar:

NM_018834.6(MATR3):c.1743C>T (p.Asn581=)

Genes: MATR3 (matrin 3; plus strand), LOC126807526 (CDK7 strongly-dependent group 2 enhancer GRCh37_chr5:138657767-138658966; plus strand). Cytogenetic location: 5q31.2.
Variant type: single nucleotide variant.
Coding change: c.1743C>T on transcript NM_018834.6 (MANE Select); coding-DNA position 1743, C replaced by T.
Protein change: p.Asn581=; no amino-acid change (asparagine 581 retained).
Molecular consequence: synonymous variant.
Genome position (GRCh38, 1-based): chr5:139,322,471, C>T. VCF-style: chr5-139322471-C-T. GRCh37 (hg19) VCF-style: chr5-138658160-C-T.
Other names: p.Asn581=; c.1743C>T, p.Asn581= (NM_001194954.2, NM_001194955.2, NM_001400441.1 and 16 more transcripts); c.879C>T, p.Asn293= (NM_001194956.2); c.729C>T, p.Asn243= (NM_001282278.2, NM_001400460.1, NM_001400462.1 and 5 more transcripts); c.882C>T, p.Asn294= (NM_001400459.1); c.843C>T, p.Asn281= (NM_001400461.1).
Identifiers: ClinVar variation 4684862 (VCV004684862.1).

ClinVar aggregate classification (germline): Likely benign (1 of 4 stars; one submission).

Submission:

Mayo Clinic Laboratories, Mayo Clinic
Classification: Likely benign. Last evaluated: 2025-10-09. Review status: criteria provided, single submitter. Criteria: ACMG Guidelines, 2015. Collection method: clinical testing. Allele origin: germline. Observed: 1 variant allele.
Comment: BP4, BP7